The following is an entry in ClinVar:

NM_022437.3(ABCG8):c.361C>G (p.Arg121Gly)

Gene: ABCG8 (ATP binding cassette subfamily G member 8; plus strand). Cytogenetic location: 2p21.
Variant type: single nucleotide variant.
Coding change: c.361C>G on transcript NM_022437.3 (MANE Select); coding-DNA position 361, C replaced by G.
Protein change: p.Arg121Gly; replaces arginine 121 with glycine.
Molecular consequence: missense variant.
Genome position (GRCh38, 1-based): chr2:43,851,622, C>G. VCF-style: chr2-43851622-C-G. GRCh37 (hg19) VCF-style: chr2-44078761-C-G.
Other names: c.361C>G, p.Arg121Gly (NM_001357321.2); short protein forms R121G.
Identifiers: ClinVar variation 3227787 (VCV003227787.1), dbSNP rs375005392, ClinGen allele CA1636993.

ClinVar aggregate classification (germline): Uncertain significance (1 of 4 stars; one submission).

Conditions:
Cardiovascular phenotype. Identifiers: MedGen CN230736.

gnomAD v4.1: 10 of 1,614,072 alleles (0.00062%); highest among the groups gnomAD compares: African/African-American, 0.011%; no homozygotes.

Submission:

Ambry Genetics
Classification: Uncertain significance for Cardiovascular phenotype. Last evaluated: 2024-02-28. Review status: criteria provided, single submitter. Criteria: Ambry Variant Classification Scheme 2023. Collection method: clinical testing. Allele origin: germline.
Comment: The p.R121G variant (also known as c.361C>G), located in coding exon 4 of the ABCG8 gene, results from a C to G substitution at nucleotide position 361. The arginine at codon 121 is replaced by glycine, an amino acid with dissimilar properties. This amino acid position is well conserved in available vertebrate species. In addition, the in silico prediction for this alteration is inconclusive. Based on the available evidence, the clinical significance of this alteration remains unclear.